The following is an entry in ClinVar:

NM_015512.5(DNAH1):c.1790G>T (p.Arg597Leu)

Gene: DNAH1 (dynein axonemal heavy chain 1; plus strand). Cytogenetic location: 3p21.1.
Variant type: single nucleotide variant.
Coding change: c.1790G>T on transcript NM_015512.5 (MANE Select); coding-DNA position 1790, G replaced by T.
Protein change: p.Arg597Leu; replaces arginine 597 with leucine.
Molecular consequence: missense variant.
Genome position (GRCh38, 1-based): chr3:52,346,605, G>T. VCF-style: chr3-52346605-G-T. GRCh37 (hg19) VCF-style: chr3-52380621-G-T.
Other names: short protein forms R597L.
Identifiers: ClinVar variation 2653879 (VCV002653879.24), dbSNP rs373434606, ClinGen allele CA2433051.
Genomic context (GRCh38, chr3:52,346,605, plus strand): 5'-GCAAGGGCTGGTACAACCTCTACGAGACCAACTGGGAGGTGTACCTCATGTCCAAGCTGC[G>T]CAAGCTGATGGAGCTGGTGAAGTACATGCTGCAGGACACACTGCGCTTCCTGGTGCAGGA-3'
Protein context (NP_056327.4, residues 587-607): NWEVYLMSKL[Arg597Leu]KLMELVKYML

ClinVar aggregate classification (germline): Uncertain significance (1 of 4 stars; one submission).

Allele frequency attached by ClinVar (database versions not stated): ExAC 0.00001; ESP Exome Variant Server 0.00008.
gnomAD v4.1: 6 of 1,613,946 alleles (0.00037%); highest among the groups gnomAD compares: South Asian, 0.0022%; no homozygotes.

Submission:

CeGaT Center for Human Genetics Tuebingen
Classification: Uncertain significance. Last evaluated: 2023-06-01. Review status: criteria provided, single submitter. Criteria: CeGaT Center For Human Genetics Tuebingen Variant Classification Criteria Version 2. Collection method: clinical testing. Allele origin: germline. Affected: yes. Observed: 1 variant allele.
Comment: DNAH1: PM2, BP4